The following is an entry in ClinVar:

ClinVar aggregate classification (germline): Uncertain significance. Review status: criteria provided, multiple submitters, no conflicts (2 of 4 stars). 3 submissions from 3 submitters: Uncertain significance (3). Last evaluated 2025-12-26.

Conditions:
USH2A-related disorder. Also called: USH2A-related disorders; USH2A-related condition. Identifiers: MedGen CN239332.
Inborn genetic diseases. Identifiers: MedGen C0950123, MeSH D030342.

Allele frequency attached by ClinVar (database versions not stated): 1000 Genomes Project 30x 0.00016.
gnomAD v4.1: 15 of 1,614,120 alleles (0.00093%); highest among the groups gnomAD compares: South Asian, 0.012%; no homozygotes.

Submissions (3):

Labcorp Genetics (formerly Invitae), Labcorp
Classification: Uncertain significance. Last evaluated: 2025-12-26. Review status: criteria provided, single submitter. Criteria: Invitae Variant Classification Sherloc (09022015). Collection method: clinical testing. Allele origin: germline.
Comment: This sequence change replaces serine, which is neutral and polar, with arginine, which is basic and polar, at codon 4774 of the USH2A protein (p.Ser4774Arg). This variant is present in population databases (rs147037435, gnomAD 0.02%). This variant has not been reported in the literature in individuals affected with USH2A-related conditions. ClinVar contains an entry for this variant (Variation ID: 2269522). Invitae Evidence Modeling of protein sequence and biophysical properties (such as structural, functional, and spatial information, amino acid conservation, physicochemical variation, residue mobility, and thermodynamic stability) indicates that this missense variant is not expected to disrupt USH2A protein function with a negative predictive value of 95%. In summary, the available evidence is currently insufficient to determine the role of this variant in disease. Therefore, it has been classified as a Variant of Uncertain Significance.

PreventionGenetics, part of Exact Sciences
Classification: Uncertain significance for USH2A-related condition. Last evaluated: 2025-04-28. Review status: criteria provided, single submitter. Criteria: ACMG Guidelines, 2015. Collection method: clinical testing. Allele origin: germline.
Comment: The USH2A c.14322C>A variant is predicted to result in the amino acid substitution p.Ser4774Arg. To our knowledge, this variant has not been reported in the literature. This variant is reported in 0.020% of alleles in individuals of South Asian descent in gnomAD. At this time, the clinical significance of this variant is uncertain due to the absence of conclusive functional and genetic evidence.

Ambry Genetics
Classification: Uncertain significance for Inborn genetic diseases. Last evaluated: 2022-01-04. Review status: criteria provided, single submitter. Criteria: Ambry Variant Classification Scheme 2023. Collection method: clinical testing. Allele origin: germline.

NM_206933.4(USH2A):c.14322C>A (p.Ser4774Arg)

Gene: USH2A (usherin; minus strand). Cytogenetic location: 1q41.
Variant type: single nucleotide variant.
Coding change: c.14322C>A on transcript NM_206933.4 (MANE Select); coding-DNA position 14322, C replaced by A.
Protein change: p.Ser4774Arg; replaces serine 4774 with arginine.
Molecular consequence: missense variant.
Genome position (GRCh38, 1-based): chr1:215,650,613, G>T on the plus strand (C>A on the coding strand, the complement: USH2A is on the minus strand). VCF-style: chr1-215650613-G-T. GRCh37 (hg19) VCF-style: chr1-215823955-G-T.
Other names: short protein forms S4774R.
Identifiers: ClinVar variation 2269522 (VCV002269522.5), dbSNP rs147037435, ClinGen allele CA1393064.